The following is an entry in ClinVar:

ClinVar aggregate classification (germline): Likely pathogenic (1 of 4 stars; one submission).

Submission:

GeneDx
Classification: Likely pathogenic. Last evaluated: 2014-06-30. Review status: criteria provided, single submitter. Criteria: GeneDx Variant Classification (06012015). Collection method: clinical testing. Allele origin: germline. Affected: yes.
Comment: p.Asp487Tyr (GAT>TAT): c.1459 G>T in exon 11 of the BMPR2 gene (NM_001204.6). The D487Y variant that is likely pathogenic was identified in the BMPR2 gene. It has not been published as a mutation or as a benign polymorphism to our knowledge. The D487Y variant was not observed in approximately 6,500 individuals of European and African American ancestry in the NHLBI Exome Sequencing Project, indicating it is not a common benign variant in these populations. In addition, the D487Y variant is a non-conservative amino acid substitution, which is likely to impact secondary protein structure as these residues differ in polarity, charge, size and/or other properties. Moreover, this substitution occurs at a position that is completely conserved across species in well conserved region of the protein. In silico analysis predicts this variant is probably damaging to the protein structure/function. A variant in this residue (D487V) has been reported previously in association with PAH (Pfarr N et al., 2011). Furthermore, additional missense mutations in nearby residues (C483R, D485G, A490V, R491W, R491Q) have been reported in association with PAH, supporting the functional importance of this region of the protein. Therefore, this variant is a strong candidate for a pathogenic mutation, however the possibility that it is a benign variant cannot be excluded. This variant was found in PAH-ARRHYTHMIA

NM_001204.7(BMPR2):c.1459G>T (p.Asp487Tyr)

Gene: BMPR2 (bone morphogenetic protein receptor type 2; plus strand). Cytogenetic location: 2q33.2.
Variant type: single nucleotide variant.
Coding change: c.1459G>T on transcript NM_001204.7 (MANE Select); coding-DNA position 1459, G replaced by T.
Protein change: p.Asp487Tyr; replaces aspartic acid 487 with tyrosine.
Molecular consequence: missense variant.
Genome position (GRCh38, 1-based): chr2:202,552,761, G>T. VCF-style: chr2-202552761-G-T. GRCh37 (hg19) VCF-style: chr2-203417484-G-T.
Other names: p.D487Y:GAT>TAT; c.1459G>T (LRG_712t1); short protein forms D487Y.
Identifiers: ClinVar variation 212812 (VCV000212812.2), dbSNP rs863223421, ClinGen allele CA324334.